The following is an entry in ClinVar:

ClinVar aggregate classification (germline): Uncertain significance (1 of 4 stars; one submission).

Conditions:
Developmental delay with or without dysmorphic facies and autism. Identifiers: MedGen C5193106, MONDO:0032760, OMIM 618454.

Submission:

3billion
Classification: Uncertain significance for Developmental delay with or without dysmorphic facies and autism. Last evaluated: 2024-12-31. Review status: criteria provided, single submitter. Criteria: ACMG Guidelines, 2015. Collection method: clinical testing. Allele origin: germline. Affected: yes.
Comment: The variant is not observed in the gnomAD v4.1.0 dataset. Predicted Consequence/Location: Missense variant. Missense changes are a common disease-causing mechanism. In silico tool predictions suggest damaging effect of the variant on gene or gene product [3Cnet: 0.72 (>=0.6, sensitivity 0.72 and precision 0.9)]. Therefore, this variant is classified as VUS according to the recommendation of ACMG/AMP guideline.

NM_001375524.1(TRRAP):c.7366T>C (p.Cys2456Arg)

Gene: TRRAP (transformation/transcription domain associated protein; plus strand). Cytogenetic location: 7q22.1.
Variant type: single nucleotide variant.
Coding change: c.7366T>C on transcript NM_001375524.1 (MANE Select); coding-DNA position 7366, T replaced by C.
Protein change: p.Cys2456Arg; replaces cysteine 2456 with arginine.
Molecular consequence: missense variant.
Genome position (GRCh38, 1-based): chr7:98,967,552, T>C. VCF-style: chr7-98967552-T-C. GRCh37 (hg19) VCF-style: chr7-98565175-T-C.
Other names: c.7345T>C, p.Cys2449Arg (NM_001244580.2); c.7291T>C, p.Cys2431Arg (NM_003496.4); short protein forms C2431R, C2449R, C2456R.
Identifiers: ClinVar variation 4291958 (VCV004291958.1).
Genomic context (GRCh38, chr7:98,967,552, plus strand): 5'-ACCCTCTCTGGCAGCGAGCTGACGGCGAAACTTGAGCCTGCCTTTCTCTCTGGGCTGCGC[T>C]GTGCCCAGCCACTCATCAGGGCAAAGTTTTTCGAGGTTTTTGACAACTCCATGAAACGTC-3'
Protein context (NP_001362453.1, residues 2446-2466): LEPAFLSGLR[Cys2456Arg]AQPLIRAKFF